The following is an entry in ClinVar:

ClinVar aggregate classification (germline): Uncertain significance. Review status: criteria provided, multiple submitters, no conflicts (2 of 4 stars). 3 submissions from 3 submitters: Uncertain significance (3). Last evaluated 2024-03-06.

Conditions:
Ataxia-telangiectasia syndrome (AT). Also called: LOUIS-BAR SYNDROME; Cerebello-oculocutaneous telangiectasia; Immunodeficiency with ataxia telangiectasia; Ataxia-telangiectasia, complementation group D; AT, COMPLEMENTATION GROUP C; ATAXIA-TELANGIECTASIA, COMPLEMENTATION GROUP A. Identifiers: Orphanet 100, MedGen C0004135, MONDO:0008840, OMIM 208900.
Hereditary cancer-predisposing syndrome. Also called: Hereditary Cancer Syndrome; Hereditary neoplastic syndrome; Neoplastic Syndromes, Hereditary; Tumor predisposition. Identifiers: Orphanet 140162, MedGen C0027672, MeSH D009386, MONDO:0015356.

Submissions (3):

Color Diagnostics, LLC DBA Color Health
Classification: Uncertain significance for Hereditary cancer-predisposing syndrome. Last evaluated: 2024-03-06. Review status: criteria provided, single submitter. Criteria: ACMG Guidelines, 2015. Collection method: clinical testing. Allele origin: germline.
Comment: This missense variant replaces leucine with proline at codon 1809 of the ATM protein. Computational prediction suggests that this variant may have deleterious impact on protein structure and function (internally defined REVEL score threshold >= 0.7, PMID: 27666373). To our knowledge, functional studies have not been reported for this variant. This variant has not been reported in individuals affected with hereditary cancer in the literature. This variant has not been identified in the general population by the Genome Aggregation Database (gnomAD). The available evidence is insufficient to determine the role of this variant in disease conclusively. Therefore, this variant is classified as a Variant of Uncertain Significance.

Labcorp Genetics (formerly Invitae), Labcorp
Classification: Uncertain significance for Ataxia-telangiectasia syndrome. Last evaluated: 2022-07-29. Review status: criteria provided, single submitter. Criteria: Invitae Variant Classification Sherloc (09022015). Collection method: clinical testing. Allele origin: germline.
Comment: This sequence change replaces leucine, which is neutral and non-polar, with proline, which is neutral and non-polar, at codon 1809 of the ATM protein (p.Leu1809Pro). This variant is not present in population databases (gnomAD no frequency). This variant has not been reported in the literature in individuals affected with ATM-related conditions. ClinVar contains an entry for this variant (Variation ID: 1332082). Algorithms developed to predict the effect of missense changes on protein structure and function (SIFT, PolyPhen-2, Align-GVGD) all suggest that this variant is likely to be disruptive. In summary, the available evidence is currently insufficient to determine the role of this variant in disease. Therefore, it has been classified as a Variant of Uncertain Significance.

Ambry Genetics
Classification: Uncertain significance for Hereditary cancer-predisposing syndrome. Last evaluated: 2021-09-20. Review status: criteria provided, single submitter. Criteria: Ambry Variant Classification Scheme 2023. Collection method: clinical testing. Allele origin: germline.
Comment: The p.L1809P variant (also known as c.5426T>C), located in coding exon 35 of the ATM gene, results from a T to C substitution at nucleotide position 5426. The leucine at codon 1809 is replaced by proline, an amino acid with similar properties. This amino acid position is conserved. In addition, this alteration is predicted to be deleterious by in silico analysis. Since supporting evidence is limited at this time, the clinical significance of this alteration remains unclear.

NM_000051.4(ATM):c.5426T>C (p.Leu1809Pro)

Gene: ATM (ATM serine/threonine kinase; plus strand). Cytogenetic location: 11q22.3.
Variant type: single nucleotide variant.
Coding change: c.5426T>C on transcript NM_000051.4 (MANE Select); coding-DNA position 5426, T replaced by C.
Protein change: p.Leu1809Pro; replaces leucine 1809 with proline.
Molecular consequence: missense variant.
Genome position (GRCh38, 1-based): chr11:108,302,959, T>C. VCF-style: chr11-108302959-T-C. GRCh37 (hg19) VCF-style: chr11-108173686-T-C.
Other names: c.5426T>C, p.Leu1809Pro (NM_001351834.2); short protein forms L1809P.
Identifiers: ClinVar variation 1332082 (VCV001332082.11), dbSNP rs2083504168, ClinGen allele CA382543973.